The following is an entry in ClinVar:

NM_001369369.1(FOXN1):c.*20G>C

Gene: FOXN1 (forkhead box N1; plus strand). Cytogenetic location: 17q11.2.
Variant type: single nucleotide variant.
Coding change: c.*20G>C on transcript NM_001369369.1 (MANE Select); 20 bases downstream of the stop codon, G replaced by C.
Molecular consequence: 3 prime UTR variant.
Genome position (GRCh38, 1-based): chr17:28,537,456, G>C. VCF-style: chr17-28537456-G-C. GRCh37 (hg19) VCF-style: chr17-26864474-G-C.
Other names: c.*20G>C (NM_003593.3).
Identifiers: ClinVar variation 891143 (VCV000891143.5), dbSNP rs201218847, ClinGen allele CA8459669.

ClinVar aggregate classification (germline): Benign/Likely benign. Review status: criteria provided, multiple submitters, no conflicts (2 of 4 stars). 2 submissions from 2 submitters: Benign (1); Likely benign (1). Last evaluated 2024-11-20.

Conditions:
T-cell immunodeficiency, congenital alopecia, and nail dystrophy. Also called: Congenital alopecia and nail dystrophy associated with severe functional T-cell immunodeficiency; Pignata Guarino syndrome. Identifiers: Orphanet 169095, MedGen C1866426, MONDO:0011132, OMIM 601705.

Allele frequency attached by ClinVar (database versions not stated): TOPMed 0.00028; ESP Exome Variant Server 0.00039; gnomAD 0.00064 and 0.00065; 1000 Genomes Project 30x 0.00078; gnomAD exomes 0.00094; ExAC 0.00095; 1000 Genomes Project 0.00100.
gnomAD v4.1: 1,287 of 1,597,528 alleles (0.081%); highest among the groups gnomAD compares: Non-Finnish European, 0.074%; no homozygotes.

Submissions (2):

Blueprint Genetics
Classification: Likely benign. Last evaluated: 2024-11-20. Review status: criteria provided, single submitter. Criteria: ACMG Guidelines, 2015. Collection method: clinical testing. Allele origin: germline.

Illumina Laboratory Services, Illumina
Classification: Benign for T-cell immunodeficiency, congenital alopecia, and nail dystrophy. Last evaluated: 2017-06-09. Review status: criteria provided, single submitter. Criteria: ICSL Variant Classification Criteria 13 December 2019. Collection method: clinical testing. Allele origin: germline.
Comment: This variant was observed as part of a predisposition screen in an ostensibly healthy population. A literature search was performed for the gene, cDNA change, and amino acid change (where applicable). No publications were found based on this search. Allele frequency data from public databases was too high to be consistent with this variant causing disease. Therefore, this variant is classified as benign.